The following is an entry in ClinVar:

ClinVar aggregate classification (germline): Uncertain significance (1 of 4 stars; one submission).

Conditions:
Mosaic variegated aneuploidy syndrome 1 (MVA1). Also called: Warburton-Anyane-Yeboa syndrome. Identifiers: Orphanet 1052, MedGen C1850343, MONDO:0009759, OMIM 257300.

Submission:

Labcorp Genetics (formerly Invitae), Labcorp
Classification: Uncertain significance for Mosaic variegated aneuploidy syndrome 1. Last evaluated: 2025-05-05. Review status: criteria provided, single submitter. Criteria: Invitae Variant Classification Sherloc (09022015). Collection method: clinical testing. Allele origin: germline.
Comment: This sequence change creates a premature translational stop signal (p.Thr1008Serfs*16) in the BUB1B gene. While this is not anticipated to result in nonsense mediated decay, it is expected to disrupt the last 43 amino acid(s) of the BUB1B protein. This variant is not present in population databases (gnomAD no frequency). This variant has not been reported in the literature in individuals affected with BUB1B-related conditions. Experimental studies and prediction algorithms are not available or were not evaluated, and the functional significance of this variant is currently unknown. Algorithms developed to predict the effect of sequence changes on RNA splicing suggest that this variant may disrupt the consensus splice site. This variant disrupts a region of the BUB1B protein in which other variant(s) (p.Leu1012Pro) have been observed in individuals with BUB1B-related conditions (PMID: 15475955, 18548531). This suggests that this is a clinically significant region of the protein, and that variants that disrupt it are likely to be disease-causing. In summary, the available evidence is currently insufficient to determine the role of this variant in disease. Therefore, it has been classified as a Variant of Uncertain Significance.

Literature cited by the submitters: PubMed 15475955; PubMed 18548531.

NM_001211.6(BUB1B):c.3023_3024del (p.Thr1008fs)

Genes: BUB1B-PAK6 (BUB1B-PAK6 readthrough; plus strand), BUB1B (BUB1 mitotic checkpoint serine/threonine kinase B; plus strand). Cytogenetic location: 15q15.1.
Variant type: Microsatellite.
Coding change: c.3023_3024del on transcript NM_001211.6 (MANE Select); coding-DNA positions 3023 to 3024, 2 bases deleted (CA; older notation c.3023_3024delCA).
Protein change: p.Thr1008fs; shifts the reading frame from threonine 1008.
Molecular consequence: frameshift variant. On other transcripts: intron variant (2).
Genome position (GRCh38, 1-based): chr15:40,220,629-40,220,630, CA deleted; deleting any 2 consecutive bases within chr15:40,220,627-40,220,630 gives the same sequence; the c. name uses the placement nearest the transcript's 3' end. VCF-style (leftmost placement, unchanged base first): chr15-40220626-CCA-C. GRCh37 (hg19) VCF-style: chr15-40512827-CCA-C.
Other names: c.-201+2962_-201+2963del (NM_001128628.3); c.-118+2962_-118+2963del (NM_001128629.3); short protein forms T1008fs.
Identifiers: ClinVar variation 4797632 (VCV004797632.1).
Genomic context (GRCh38, chr15:40,220,626, plus strand): 5'-TAAAAGATGGTGAATTGTGGAATAAATTCTTTGTGCGGATTCTGAATGCCAATGATGAGG[CCA>C]CAGTGTCTGTTCTTGGGGAGCTTGCAGCAGAAATGAATGGGGTTTTTGACACTACATTCC-3'